The following is an entry in ClinVar:

ClinVar aggregate classification (germline): Uncertain significance (1 of 4 stars; one submission).

Conditions:
X-linked external auditory canal atresia-dilated internal auditory canal-facial dysmorphism syndrome. Also called: DEAFNESS, X-LINKED 7. Identifiers: Orphanet 500188, MedGen C4746975, MONDO:0044702, OMIM 301018.

Submission:

Laboratory of Molecular, Cellular and Translation Genetics in Otolaryngology/ Lim32-hcfmusp, University of Sao Paulo School of Medicine Clinics Hospital
Classification: Uncertain significance for X-linked external auditory canal atresia-dilated internal auditory canal-facial dysmorphism syndrome. Last evaluated: 2026-04-30. Review status: criteria provided, single submitter. Criteria: ACMG Guidelines, 2015. Collection method: research. Allele origin: germline. Affected: yes.
Comment: NM_001004051.4:c.1307_1330dup: p.(Ser443_Glu444insGlyGluGluAlaLy...). This variant has been classified as a variant of uncertain significance (VUS). It is absent from population databases (PM2), and in silico prediction tools are inconclusive regarding its impact on protein function. Although the hemizygous state and phenotype may suggest a potential association with hearing loss, the available evidence is currently insufficient to establish a definitive causal role for this variant in the proband as described in PMID: 42233699.

Literature cited by the submitters: PubMed 42233699.

NM_001004051.4(GPRASP2):c.1307_1330dup (p.Ser443_Glu444insGlyGluGluAlaLysProGluSer)

Genes: ARMCX5-GPRASP2 (ARMCX5-GPRASP2 readthrough; plus strand), GPRASP2 (G protein-coupled receptor associated sorting protein 2; plus strand). Cytogenetic location: Xq22.1.
Variant type: Duplication.
Coding change: c.1307_1330dup on transcript NM_001004051.4 (MANE Select); coding-DNA positions 1307 to 1330, 24 bases duplicated (GAGAAGAGGCCAAGCCGGAGTCTG).
Protein change: p.Ser443_Glu444insGlyGluGluAlaLysProGluSer.
Molecular consequence: inframe insertion. On other transcripts: intron variant (3).
Genome position (GRCh38, 1-based): chrX:102,716,176-102,716,199, GAGAAGAGGCCAAGCCGGAGTCTG duplicated. VCF-style (leftmost placement, unchanged base first): chrX-102716175-A-AGAGAAGAGGCCAAGCCGGAGTCTG. GRCh37 (hg19) VCF-style: chrX-101971103-A-AGAGAAGAGGCCAAGCCGGAGTCTG.
Other names: c.1307_1330dup, p.Ser443_Glu444insGlyGluGluAlaLysProGluSer (NM_001199818.1, NM_001184874.3, NM_001184875.3 and 2 more transcripts); c.-820+1910_-820+1933dup (NM_001350268.2); c.-752+1910_-752+1933dup (NM_001350269.2); c.-721+1910_-721+1933dup (NM_001350270.1).
Identifiers: ClinVar variation 4852130 (VCV004852130.2).